The following is an entry in ClinVar:

ClinVar aggregate classification (germline): Uncertain significance. Review status: criteria provided, multiple submitters, no conflicts (2 of 4 stars). 2 submissions from 2 submitters: Uncertain significance (2). Last evaluated 2026-03-06.

Conditions:
Cardiovascular phenotype. Identifiers: MedGen CN230736.
Hereditary hemorrhagic telangiectasia (HHT). Also called: ORW DISEASE; Osler Weber Rendu syndrome; OSLER-RENDU-WEBER DISEASE; Osler hemorrhagic telangiectasia syndrome. Identifiers: Orphanet 774, MedGen C0039445, MONDO:0019180. Disease mechanism: loss of function.

Submissions (2):

Ambry Genetics
Classification: Uncertain significance for Cardiovascular phenotype. Last evaluated: 2026-03-06. Review status: criteria provided, single submitter. Criteria: Ambry Variant Classification Scheme 2023. Collection method: clinical testing. Allele origin: germline.
Comment: The p.D491E variant (also known as c.1473C>G), located in coding exon 12 of the ENG gene, results from a C to G substitution at nucleotide position 1473. The aspartic acid at codon 491 is replaced by glutamic acid, an amino acid with highly similar properties. This amino acid position is conserved. In addition, this alteration is predicted to be tolerated by in silico analysis. Based on the available evidence, the clinical significance of this variant remains unclear.

Labcorp Genetics (formerly Invitae), Labcorp
Classification: Uncertain significance for Hereditary hemorrhagic telangiectasia. Last evaluated: 2024-02-14. Review status: criteria provided, single submitter. Criteria: Invitae Variant Classification Sherloc (09022015). Collection method: clinical testing. Allele origin: germline.
Comment: This sequence change replaces aspartic acid, which is acidic and polar, with glutamic acid, which is acidic and polar, at codon 491 of the ENG protein (p.Asp491Glu). This variant is not present in population databases (gnomAD no frequency). This variant has not been reported in the literature in individuals affected with ENG-related conditions. Advanced modeling of protein sequence and biophysical properties (such as structural, functional, and spatial information, amino acid conservation, physicochemical variation, residue mobility, and thermodynamic stability) performed at Invitae indicates that this missense variant is not expected to disrupt ENG protein function with a negative predictive value of 95%. In summary, the available evidence is currently insufficient to determine the role of this variant in disease. Therefore, it has been classified as a Variant of Uncertain Significance.

NM_001114753.3(ENG):c.1473C>G (p.Asp491Glu)

Genes: ENG (endoglin; minus strand), LOC102723566 (uncharacterized LOC102723566; plus strand). Cytogenetic location: 9q34.11.
Variant type: single nucleotide variant.
Coding change: c.1473C>G on transcript NM_001114753.3 (MANE Select); coding-DNA position 1473, C replaced by G.
Protein change: p.Asp491Glu; replaces aspartic acid 491 with glutamic acid.
Molecular consequence: missense variant. On other transcripts: non-coding transcript variant (1).
Genome position (GRCh38, 1-based): chr9:127,818,333, G>C on the plus strand (C>G on the coding strand, the complement: ENG is on the minus strand). VCF-style: chr9-127818333-G-C. GRCh37 (hg19) VCF-style: chr9-130580612-G-C.
Other names: c.1473C>G, p.Asp491Glu (NM_000118.4); c.927C>G, p.Asp309Glu (NM_001278138.2); c.1473C>G (NM_001114753.1); short protein forms D309E, D491E.
Identifiers: ClinVar variation 3708549 (VCV003708549.3).